The following is an entry in ClinVar:

NM_138690.3(GRIN3B):c.1381G>A (p.Ala461Thr)

Gene: GRIN3B (glutamate ionotropic receptor NMDA type subunit 3B; plus strand). Cytogenetic location: 19p13.3.
Variant type: single nucleotide variant.
Coding change: c.1381G>A on transcript NM_138690.3 (MANE Select); coding-DNA position 1381, G replaced by A.
Protein change: p.Ala461Thr; replaces alanine 461 with threonine.
Molecular consequence: missense variant.
Genome position (GRCh38, 1-based): chr19:1,004,882, G>A. VCF-style: chr19-1004882-G-A. GRCh37 (hg19) VCF-style: chr19-1004881-G-A.
Other names: short protein forms A461T.
Identifiers: ClinVar variation 4828340 (VCV004828340.1).
Genomic context (GRCh38, chr19:1,004,882, plus strand): 5'-GCGGGGCAGCTGTGCCTGGACCCTGGCACCAACGACTCGGCCACCCTGGACGCACTGTTC[G>A]CCGCGCTGGCCAACGGCTCAGCGCCCCGTGCCCTGCGCAAGTGCTGCTACGGCTACTGCA-3'
Protein context (NP_619635.1, residues 451-471): NDSATLDALF[Ala461Thr]ALANGSAPRA

ClinVar aggregate classification (germline): Uncertain significance (1 of 4 stars; one submission).

Submission:

Ambry Genetics
Classification: Uncertain significance. Last evaluated: 2026-03-03. Review status: criteria provided, single submitter. Criteria: Ambry Variant Classification Scheme 2023. Collection method: clinical testing. Allele origin: germline.
Comment: The c.1381G>A (p.A461T) alteration is located in exon 3 (coding exon 3) of the GRIN3B gene. This alteration results from a G to A substitution at nucleotide position 1381, causing the alanine (A) at amino acid position 461 to be replaced by a threonine (T). Based on data from gnomAD, the A allele has an overall frequency of 0.007% (18/269554) total alleles studied. The highest observed frequency was 0.029% (2/6950) of Other alleles. Based on insufficient or conflicting evidence, the clinical significance of this alteration remains unclear.